The following is an entry in ClinVar:

ClinVar aggregate classification (germline): Uncertain significance (1 of 4 stars; one submission).

Conditions:
Developmental and epileptic encephalopathy, 42 (DEE42A). Also called: Epileptic encephalopathy, early infantile, 42; DEVELOPMENTAL AND EPILEPTIC ENCEPHALOPATHY 42A; EPILEPTIC ENCEPHALOPATHY, EARLY INFANTILE, 42A. Identifiers: MedGen C4310716, MONDO:0014917, OMIM 617106.
Episodic ataxia type 2 (EA2). Also called: CEREBELLAR ATAXIA, PAROXYSMAL, ACETAZOLAMIDE-RESPONSIVE; CEREBELLOPATHY, HEREDITARY PAROXYSMAL; EPISODIC ATAXIA, NYSTAGMUS-ASSOCIATED; ATAXIA, EPISODIC, WITH NYSTAGMUS; ATAXIA, FAMILIAL PAROXYSMAL; ACETAZOLAMIDE-RESPONSIVE HEREDITARY PAROXYSMAL CEREBELLAR ATAXIA. Identifiers: Orphanet 97, MedGen C1720416, MONDO:0007163, OMIM 108500.

Allele frequency attached by ClinVar (database versions not stated): gnomAD 0.00001; gnomAD exomes 0.00001; TOPMed 0.00001.
gnomAD v4.1: 4 of 1,564,944 alleles (0.00026%); highest among the groups gnomAD compares: Non-Finnish European, 0.00035%; no homozygotes.

Submission:

Labcorp Genetics (formerly Invitae), Labcorp
Classification: Uncertain significance for Developmental and epileptic encephalopathy, 42; Episodic ataxia type 2. Last evaluated: 2024-05-29. Review status: criteria provided, single submitter. Criteria: Invitae Variant Classification Sherloc (09022015). Collection method: clinical testing. Allele origin: germline.
Comment: This sequence change replaces aspartic acid, which is acidic and polar, with asparagine, which is neutral and polar, at codon 432 of the CACNA1A protein (p.Asp432Asn). This variant is not present in population databases (gnomAD no frequency). This variant has not been reported in the literature in individuals affected with CACNA1A-related conditions. ClinVar contains an entry for this variant (Variation ID: 640250). Advanced modeling of protein sequence and biophysical properties (such as structural, functional, and spatial information, amino acid conservation, physicochemical variation, residue mobility, and thermodynamic stability) performed at Invitae indicates that this missense variant is expected to disrupt CACNA1A protein function with a positive predictive value of 95%. In summary, the available evidence is currently insufficient to determine the role of this variant in disease. Therefore, it has been classified as a Variant of Uncertain Significance.

NM_001127222.2(CACNA1A):c.1291G>A (p.Asp431Asn)

Gene: CACNA1A (calcium voltage-gated channel subunit alpha1 A; minus strand). Cytogenetic location: 19p13.13.
Variant type: single nucleotide variant.
Coding change: c.1291G>A on transcript NM_001127222.2 (MANE Select); coding-DNA position 1291, G replaced by A.
Protein change: p.Asp431Asn; replaces aspartic acid 431 with asparagine.
Molecular consequence: missense variant.
Genome position (GRCh38, 1-based): chr19:13,330,298, C>T on the plus strand (G>A on the coding strand, the complement: CACNA1A is on the minus strand). VCF-style: chr19-13330298-C-T. GRCh37 (hg19) VCF-style: chr19-13441112-C-T.
Other names: c.1294G>A, p.Asp432Asn (NM_000068.4, NM_001127221.2, NM_001174080.2 and 1 more transcripts); short protein forms D431N, D432N.
Identifiers: ClinVar variation 640250 (VCV000640250.9), dbSNP rs1600346973, ClinGen allele CA404346146.